The following is an entry in ClinVar:

NM_001042681.2(RERE):c.358dup (p.Thr120fs)

Gene: RERE (arginine-glutamic acid dipeptide repeats; minus strand). Cytogenetic location: 1p36.23.
Variant type: Duplication.
Coding change: c.358dup on transcript NM_001042681.2 (MANE Select); coding-DNA position 358, one base duplicated (A; older notation c.358dupA).
Protein change: p.Thr120fs; shifts the reading frame from threonine 120.
Molecular consequence: frameshift variant.
Genome position (GRCh38, 1-based): chr1:8,624,348, T duplicated on the plus strand (A on the coding strand, the reverse complement: RERE is on the minus strand). VCF-style (leftmost placement, unchanged base first): chr1-8624347-G-GT. GRCh37 (hg19) VCF-style: chr1-8684406-G-GT.
Other names: c.358dup, p.Thr120fs (NM_012102.4); short protein forms T120fs.
Identifiers: ClinVar variation 3382190 (VCV003382190.2).

ClinVar aggregate classification (germline): Likely pathogenic (1 of 4 stars; one submission).

Conditions:
Neurodevelopmental disorder with or without anomalies of the brain, eye, or heart (NEDBEH). Identifiers: Orphanet 494344, MedGen C5567477, MONDO:0014857, OMIM 616975.

Submission:

Juno Genomics, Hangzhou Juno Genomics, Inc
Classification: Likely pathogenic for Neurodevelopmental disorder with or without anomalies of the brain, eye, or heart. Review status: criteria provided, single submitter. Criteria: ACMG Guidelines, 2015. Collection method: clinical testing. Allele origin: germline. Affected: yes.
Comment: Absent from controls (or at extremely low frequency if recessive) in Genome Aggregation Database, Exome Sequencing Project, 1000 Genomes Project, or Exome Aggregation Consortium.;Null variant in a gene where loss of function (LOF) is a known mechanism of disease.